The following is an entry in ClinVar:

NM_003482.4(KMT2D):c.11731C>T (p.Gln3911Ter)

Gene: KMT2D (lysine methyltransferase 2D; minus strand). Cytogenetic location: 12q13.12.
Variant type: single nucleotide variant.
Coding change: c.11731C>T on transcript NM_003482.4 (MANE Select); coding-DNA position 11731, C replaced by T.
Protein change: p.Gln3911Ter; replaces glutamine 3911 with a stop codon.
Molecular consequence: nonsense.
Genome position (GRCh38, 1-based): chr12:49,032,974, G>A on the plus strand (C>T on the coding strand, the complement: KMT2D is on the minus strand). VCF-style: chr12-49032974-G-A. GRCh37 (hg19) VCF-style: chr12-49426757-G-A.
Other names: c.11731C>T (NM_003482.3); short protein forms Q3911*.
Identifiers: ClinVar variation 1333630 (VCV001333630.5), dbSNP rs2120437427, ClinGen allele CA384716095.
Genomic context (GRCh38, chr12:49,032,974, plus strand): 5'-GCTGTTGCTGCTGAAGTTGCTGTTGCTGTTGTAGCTGCTGCTGCTGCTGCTGCTGAAGTT[G>A]CTGTTGCTGTTGCAGCTGCTGCTGCTGCTGAAGCTGCTGTAAAGAGCCCATGGGCTGAGC-3'

ClinVar aggregate classification (germline): Pathogenic. Review status: criteria provided, multiple submitters, no conflicts (2 of 4 stars). 4 submissions from 4 submitters: Pathogenic (4). Last evaluated 2024-11-13.

Conditions:
Inborn genetic diseases. Identifiers: MedGen C0950123, MeSH D030342.
Kabuki syndrome 1 (KABUK1). Also called: KMT2D-Related Kabuki Syndrome. Identifiers: Orphanet 2322, MedGen CN030661, MONDO:0007843, OMIM 147920.

Submissions (4):

Ambry Genetics
Classification: Pathogenic for Inborn genetic diseases. Last evaluated: 2024-11-13. Review status: criteria provided, single submitter. Criteria: Ambry Variant Classification Scheme 2023. Collection method: clinical testing. Allele origin: germline.
Comment: The c.11731C>T (p.Q3911*) alteration, located in exon 39 (coding exon 39) of the KMT2D gene, consists of a C to T substitution at nucleotide position 11731. This changes the amino acid from a glutamine (Q) to a stop codon at amino acid position 3911. This alteration is expected to result in loss of function by premature protein truncation or nonsense-mediated mRNA decay. This variant was not reported in population-based cohorts in the Genome Aggregation Database (gnomAD). This variant has been determined to be the result of a de novo mutation in an individual from a Kabuki syndrome cohort (Cocciadiferro, 2018). Based on the available evidence, this alteration is classified as pathogenic.

Institute of Human Genetics, Clinical Exome/Genome Diagnostics Group, University Hospital Bonn
Classification: Pathogenic for Kabuki syndrome 1. Last evaluated: 2023-08-20. Review status: criteria provided, single submitter. Criteria: ACMG Guidelines, 2015. Collection method: clinical testing. Allele origin: germline. Affected: yes.

GeneDx
Classification: Pathogenic. Last evaluated: 2022-06-15. Review status: criteria provided, single submitter. Criteria: GeneDx Variant Classification Process June 2021. Collection method: clinical testing. Allele origin: germline. Affected: yes.
Comment: Nonsense variant predicted to result in protein truncation or nonsense mediated decay in a gene for which loss-of-function is a known mechanism of disease; Not observed in large population cohorts (gnomAD); This variant is associated with the following publications: (PMID: 30107592)

3billion
Classification: Pathogenic for Kabuki syndrome 1. Last evaluated: 2022-01-03. Review status: criteria provided, single submitter. Criteria: ACMG Guidelines, 2015. Collection method: clinical testing. Allele origin: germline. Affected: yes. Observed: 1 heterozygote.
Comment: Stop-gained (nonsense): predicted to result in a loss or disruption of normal protein function through nonsense-mediated decay (NMD) or protein truncation. Multiple pathogenic variants are reported downstream of the variant (PVS1_VS). It is not observed in the gnomAD v2.1.1 dataset (PM2_M). The variant has been reported to be associated with KMT2D related disorder (PMID:30107592). Therefore, this variant is classified as pathogenic according to the recommendation of ACMG/AMP guideline.

Literature cited by the submitters: PubMed 30107592 (cited by Ambry Genetics and 3billion).